The following is an entry in ClinVar:

ClinVar aggregate classification (germline): Uncertain significance. Review status: criteria provided, multiple submitters, no conflicts (2 of 4 stars). 2 submissions from 2 submitters: Uncertain significance (2). Last evaluated 2026-01-06.

gnomAD v4.1: 131 of 1,614,074 alleles (0.0081%); highest among the groups gnomAD compares: Non-Finnish European, 0.01%; no homozygotes.

Submissions (2):

Labcorp Genetics (formerly Invitae), Labcorp
Classification: Uncertain significance. Last evaluated: 2026-01-06. Review status: criteria provided, single submitter. Criteria: Invitae Variant Classification Sherloc (09022015). Collection method: clinical testing. Allele origin: germline.
Comment: This sequence change replaces histidine, which is basic and polar, with glutamine, which is neutral and polar, at codon 801 of the IL6ST protein (p.His801Gln). This variant is present in population databases (rs762105158, gnomAD 0.02%). This variant has not been reported in the literature in individuals affected with IL6ST-related conditions. ClinVar contains an entry for this variant (Variation ID: 1360471). An algorithm developed to predict the effect of missense changes on protein structure and function (PolyPhen-2) suggests that this variant is likely to be tolerated. Algorithms developed to predict the effect of sequence changes on RNA splicing suggest that this variant may create or strengthen a splice site. In summary, the available evidence is currently insufficient to determine the role of this variant in disease. Therefore, it has been classified as a Variant of Uncertain Significance.

Ambry Genetics
Classification: Uncertain significance. Last evaluated: 2025-01-24. Review status: criteria provided, single submitter. Criteria: Ambry Variant Classification Scheme 2023. Collection method: clinical testing. Allele origin: germline.

NM_002184.4(IL6ST):c.2403T>G (p.His801Gln)

Gene: IL6ST (interleukin 6 cytokine family signal transducer; minus strand). Cytogenetic location: 5q11.2.
Variant type: single nucleotide variant.
Coding change: c.2403T>G on transcript NM_002184.4 (MANE Select); coding-DNA position 2403, T replaced by G.
Protein change: p.His801Gln; replaces histidine 801 with glutamine.
Molecular consequence: missense variant. On other transcripts: 3 prime UTR variant (1), non-coding transcript variant (2).
Genome position (GRCh38, 1-based): chr5:55,941,436, A>C on the plus strand (T>G on the coding strand, the complement: IL6ST is on the minus strand). VCF-style: chr5-55941436-A-C. GRCh37 (hg19) VCF-style: chr5-55237264-A-C.
Other names: c.2220T>G, p.His740Gln (NM_001190981.2); c.2301T>G, p.His767Gln (NM_001364275.2); c.2193T>G, p.His731Gln (NM_001364276.2); c.1536T>G, p.His512Gln (NM_001364277.2); c.1500T>G, p.His500Gln (NM_001364278.2); c.1407T>G, p.His469Gln (NM_001364279.2); c.*1330T>G (NM_175767.3); c.2403T>G (NM_002184.3); short protein forms H500Q, H469Q, H512Q, H801Q, H731Q, H740Q, H767Q.
Identifiers: ClinVar variation 1360471 (VCV001360471.7), dbSNP rs762105158, ClinGen allele CA3271161.
Genomic context (GRCh38, chr5:55,941,436, plus strand): 5'-CTGACTGCAGTTCTGTTTGAAGTACTGTTGCCTGGGCAAAATACCATCACCGCCATCTAC[A>C]TGATCTACTAATTGTAGATCTTCTGGCCGCTCCTCTGAATCTAACAAGGGCTGGGTAGAC-3'
Protein context (NP_002175.2, residues 791-811): ERPEDLQLVD[His801Gln]VDGGDGILPR